The following is an entry in ClinVar:

NM_004036.5(ADCY3):c.444C>A (p.Thr148=)

Gene: ADCY3 (adenylate cyclase 3; minus strand). Cytogenetic location: 2p23.3.
Variant type: single nucleotide variant.
Coding change: c.444C>A on transcript NM_004036.5 (MANE Select); coding-DNA position 444, C replaced by A.
Protein change: p.Thr148=; no amino-acid change (threonine 148 retained).
Molecular consequence: synonymous variant.
Genome position (GRCh38, 1-based): chr2:24,918,544, G>T on the plus strand (C>A on the coding strand, the complement: ADCY3 is on the minus strand). VCF-style: chr2-24918544-G-T. GRCh37 (hg19) VCF-style: chr2-25141413-G-T.
Other names: c.444C>A, p.Thr148= (NM_001320613.2, NM_001377128.1, NM_001377129.1 and 2 more transcripts).
Identifiers: ClinVar variation 3030504 (VCV003030504.2), dbSNP rs376158397, ClinGen allele CA425352813.

ClinVar aggregate classification (germline): Likely benign (0 of 4 stars; one submission).

Conditions:
ADCY3-related disorder. Also called: ADCY3-related condition.

Allele frequency attached by ClinVar (database versions not stated): gnomAD 0.00001; TOPMed 0.00002.
gnomAD v4.1: 1 of 1,613,928 alleles (0.000062%); highest among the groups gnomAD compares: African/African-American, 0.0013%; no homozygotes.

Submission:

PreventionGenetics, part of Exact Sciences
Classification: Likely benign for ADCY3-related condition. Last evaluated: 2021-04-22. Review status: no assertion criteria provided. Collection method: clinical testing. Allele origin: germline.
Comment: This variant is classified as likely benign based on ACMG/AMP sequence variant interpretation guidelines (Richards et al. 2015 PMID: 25741868, with internal and published modifications).